The following is an entry in ClinVar:

NM_145290.4(ADGRA3):c.3088G>A (p.Val1030Ile)

Gene: ADGRA3 (adhesion G protein-coupled receptor A3; minus strand). Cytogenetic location: 4p15.2.
Variant type: single nucleotide variant.
Coding change: c.3088G>A on transcript NM_145290.4 (MANE Select); coding-DNA position 3088, G replaced by A.
Protein change: p.Val1030Ile; replaces valine 1030 with isoleucine.
Molecular consequence: missense variant.
Genome position (GRCh38, 1-based): chr4:22,388,583, C>T on the plus strand (G>A on the coding strand, the complement: ADGRA3 is on the minus strand). VCF-style: chr4-22388583-C-T. GRCh37 (hg19) VCF-style: chr4-22390206-C-T.
Other names: short protein forms V1030I.
Identifiers: ClinVar variation 2969984 (VCV002969984.3), dbSNP rs188925350, ClinGen allele CA2873444.

ClinVar aggregate classification (germline): Uncertain significance (1 of 4 stars; one submission).

Allele frequency attached by ClinVar (database versions not stated): ExAC 0.00001; gnomAD 0.00001; 1000 Genomes Project 30x 0.00016; 1000 Genomes Project 0.00020; gnomAD exomes 0.00001.
gnomAD v4.1: 10 of 1,613,980 alleles (0.00062%); highest among the groups gnomAD compares: Non-Finnish European, 0.00068%; no homozygotes.

Submission:

Labcorp Genetics (formerly Invitae), Labcorp
Classification: Uncertain significance. Last evaluated: 2025-04-16. Review status: criteria provided, single submitter. Criteria: Invitae Variant Classification Sherloc (09022015). Collection method: clinical testing. Allele origin: germline.
Comment: This sequence change replaces valine, which is neutral and non-polar, with isoleucine, which is neutral and non-polar, at codon 1030 of the ADGRA3 protein (p.Val1030Ile). The frequency data for this variant in the population databases is considered unreliable, as metrics indicate poor data quality at this position in the gnomAD database. This variant has not been reported in the literature in individuals affected with ADGRA3-related conditions. ClinVar contains an entry for this variant (Variation ID: 2969984). An algorithm developed to predict the effect of missense changes on protein structure and function (PolyPhen-2) suggests that this variant is likely to be tolerated. In summary, the available evidence is currently insufficient to determine the role of this variant in disease. Therefore, it has been classified as a Variant of Uncertain Significance.